The following is an entry in ClinVar:

ClinVar aggregate classification (germline): Uncertain significance. Review status: criteria provided, multiple submitters, no conflicts (2 of 4 stars). 2 submissions from 2 submitters: Uncertain significance (2). Last evaluated 2024-10-19.

Conditions:
Duchenne muscular dystrophy (DMD). Also called: Duchenne Muscular Dystrophy (DMD); MUSCULAR DYSTROPHY, PSEUDOHYPERTROPHIC PROGRESSIVE, DUCHENNE TYPE. Identifiers: Orphanet 98896, MedGen C0013264, MONDO:0010679, OMIM 310200.

gnomAD v4.1: 4 of 1,212,053 alleles (0.00033%); highest among the groups gnomAD compares: Non-Finnish European, 0.00045%; no homozygotes.

Submissions (2):

Labcorp Genetics (formerly Invitae), Labcorp
Classification: Uncertain significance for Duchenne muscular dystrophy. Last evaluated: 2024-10-19. Review status: criteria provided, single submitter. Criteria: Invitae Variant Classification Sherloc (09022015). Collection method: clinical testing. Allele origin: germline.
Comment: This sequence change replaces aspartic acid, which is acidic and polar, with asparagine, which is neutral and polar, at codon 2846 of the DMD protein (p.Asp2846Asn). This variant is not present in population databases (gnomAD no frequency). This variant has not been reported in the literature in individuals affected with DMD-related conditions. Invitae Evidence Modeling of protein sequence and biophysical properties (such as structural, functional, and spatial information, amino acid conservation, physicochemical variation, residue mobility, and thermodynamic stability) indicates that this missense variant is not expected to disrupt DMD protein function with a negative predictive value of 95%. In summary, the available evidence is currently insufficient to determine the role of this variant in disease. Therefore, it has been classified as a Variant of Uncertain Significance.

GeneDx
Classification: Uncertain significance. Last evaluated: 2023-11-03. Review status: criteria provided, single submitter. Criteria: GeneDx Variant Classification Process June 2021. Collection method: clinical testing. Allele origin: germline. Affected: yes.
Comment: Has not been previously published as pathogenic or benign to our knowledge; Not observed at significant frequency in large population cohorts (gnomAD); In silico analysis supports that this missense variant has a deleterious effect on protein structure/function

NM_004006.3(DMD):c.8536G>A (p.Asp2846Asn)

Gene: DMD (dystrophin; minus strand). Cytogenetic location: Xp21.2.
Variant type: single nucleotide variant.
Coding change: c.8536G>A on transcript NM_004006.3 (MANE Select); coding-DNA position 8536, G replaced by A.
Protein change: p.Asp2846Asn; replaces aspartic acid 2846 with asparagine.
Molecular consequence: missense variant.
Genome position (GRCh38, 1-based): chrX:31,496,799, C>T on the plus strand (G>A on the coding strand, the complement: DMD is on the minus strand). VCF-style: chrX-31496799-C-T. GRCh37 (hg19) VCF-style: chrX-31514916-C-T.
Other names: c.8512G>A, p.Asp2838Asn (NM_000109.4); c.8524G>A, p.Asp2842Asn (NM_004009.3); c.8167G>A, p.Asp2723Asn (NM_004010.3); c.4513G>A, p.Asp1505Asn (NM_004011.4); c.4504G>A, p.Asp1502Asn (NM_004012.4); c.1156G>A, p.Asp386Asn (NM_004013.3, NM_004020.4, NM_004021.3 and 2 more transcripts); c.349G>A, p.Asp117Asn (NM_004014.3); short protein forms D117N, D1502N, D1505N, D2723N, D2838N, D2842N, D2846N, D386N.
Identifiers: ClinVar variation 3363703 (VCV003363703.3).